The following is an entry in ClinVar:

NM_003677.5(DENR):c.295+6A>T

Gene: DENR (density regulated re-initiation and release factor; plus strand). Cytogenetic location: 12q24.31.
Variant type: single nucleotide variant.
Coding change: c.295+6A>T on transcript NM_003677.5 (MANE Select); 6 bases into the intron after coding-DNA position 295, A replaced by T.
Molecular consequence: intron variant.
Genome position (GRCh38, 1-based): chr12:122,765,393, A>T. VCF-style: chr12-122765393-A-T. GRCh37 (hg19) VCF-style: chr12-123249940-A-T.
Identifiers: ClinVar variation 3039206 (VCV003039206.2), dbSNP rs71456774, ClinGen allele CA244821355.

ClinVar aggregate classification (germline): Likely benign (0 of 4 stars; one submission).

Conditions:
DENR-related disorder. Also called: DENR-related condition.

Allele frequency attached by ClinVar (database versions not stated): gnomAD exomes 0.00004; 1000 Genomes Project 30x 0.00016; 1000 Genomes Project 0.00020; gnomAD 0.00032; TOPMed 0.00034.
gnomAD v4.1: 114 of 1,546,152 alleles (0.0074%); highest among the groups gnomAD compares: African/African-American, 0.13%; no homozygotes.

Submission:

PreventionGenetics, part of Exact Sciences
Classification: Likely benign for DENR-related condition. Last evaluated: 2019-05-21. Review status: no assertion criteria provided. Collection method: clinical testing. Allele origin: germline.
Comment: This variant is classified as likely benign based on ACMG/AMP sequence variant interpretation guidelines (Richards et al. 2015 PMID: 25741868, with internal and published modifications).